The following is an entry in ClinVar:

NM_000482.4(APOA4):c.846C>T (p.Thr282=)

Gene: APOA4 (apolipoprotein A4; minus strand). Cytogenetic location: 11q23.3.
Variant type: single nucleotide variant.
Coding change: c.846C>T on transcript NM_000482.4 (MANE Select); coding-DNA position 846, C replaced by T.
Protein change: p.Thr282=; no amino-acid change (threonine 282 retained).
Molecular consequence: synonymous variant.
Genome position (GRCh38, 1-based): chr11:116,821,212, G>A on the plus strand (C>T on the coding strand, the complement: APOA4 is on the minus strand). VCF-style: chr11-116821212-G-A. GRCh37 (hg19) VCF-style: chr11-116691928-G-A.
Identifiers: ClinVar variation 791548 (VCV000791548.11), dbSNP rs5106, ClinGen allele CA6289295.
Genomic context (GRCh38, chr11:116,821,212, plus strand): 5'-CTCCTCCACCTGCTGGTCCAGGTGCCCACCCAGCTCTGCCAGTGACTTCTGCAGCCCCTC[G>A]GTGTTGCCCCTCAGGTTGCCACGCACGTCCTCGGCCAAGGGCGCCAGCCTCTGCCGCAGC-3'
Protein context (NP_000473.2, residues 272-292): EDVRGNLRGN[Thr282=]EGLQKSLAEL

ClinVar aggregate classification (germline): Benign. Review status: criteria provided, single submitter (1 of 4 stars). 2 submissions from 2 submitters: Benign (1). 1 of the submissions does not count toward it. Last evaluated 2026-01-14.

Conditions:
APOA4-related disorder. Also called: APOA4-related condition.

Allele frequency attached by ClinVar (database versions not stated): gnomAD exomes 0.00097 and 0.00263; ExAC 0.00336; gnomAD 0.01101 and 0.01184; 1000 Genomes Project 0.01118; 1000 Genomes Project 30x 0.01156; TOPMed 0.01240; ESP Exome Variant Server 0.01310.

Submissions (2):

Labcorp Genetics (formerly Invitae), Labcorp
Classification: Benign. Last evaluated: 2026-01-14. Review status: criteria provided, single submitter. Criteria: Invitae Variant Classification Sherloc (09022015). Collection method: clinical testing. Allele origin: germline.

PreventionGenetics, part of Exact Sciences
Classification: Benign for APOA4-related condition. Last evaluated: 2024-01-02. Review status: no assertion criteria provided. Collection method: clinical testing. Allele origin: germline. Not counted in ClinVar's aggregate classification.
Comment: This variant is classified as benign based on ACMG/AMP sequence variant interpretation guidelines (Richards et al. 2015 PMID: 25741868, with internal and published modifications).